The following is an entry in ClinVar:

NM_001130823.3(DNMT1):c.1831_1832del (p.Arg611fs)

Gene: DNMT1 (DNA methyltransferase 1; minus strand). Cytogenetic location: 19p13.2.
Variant type: Microsatellite.
Coding change: c.1831_1832del on transcript NM_001130823.3 (MANE Select); coding-DNA positions 1831 to 1832, 2 bases deleted (AG; older notation c.1831_1832delAG).
Protein change: p.Arg611fs; shifts the reading frame from arginine 611.
Molecular consequence: frameshift variant.
Genome position (GRCh38, 1-based): chr19:10,154,586-10,154,587, CT deleted on the plus strand (AG on the coding strand, the reverse complement: DNMT1 is on the minus strand); deleting any 2 consecutive bases within chr19:10,154,586-10,154,589 gives the same sequence; the c. name uses the placement nearest the transcript's 3' end. VCF-style (leftmost placement, unchanged base first): chr19-10154585-CCT-C. GRCh37 (hg19) VCF-style: chr19-10265261-CCT-C.
Other names: c.1783_1784del, p.Arg595fs (NM_001318730.2, NM_001379.4); c.1468_1469del, p.Arg490fs (NM_001318731.2); short protein forms R490fs, R595fs, R611fs.
Identifiers: ClinVar variation 2812791 (VCV002812791.3), dbSNP rs2513821344, ClinGen allele CA2739276435.
Genomic context (GRCh38, chr19:10,154,585, plus strand): 5'-TGGGCCATGCTCTACCCTCCCCGGTCTCCAGTCTTCACTCTGGTCCCTGCCGCATCCTTA[CCT>C]CTGTCCCAGCGTGACCCCAGCCAGCTTGATCAGGTCCCGCATGCAGGGTGTCAGGAAGAT-3'

ClinVar aggregate classification (germline): Uncertain significance (1 of 4 stars; one submission).

Conditions:
Hereditary sensory neuropathy-deafness-dementia syndrome. Also called: Hereditary sensory neuropathy type IE; NEUROPATHY, HEREDITARY SENSORY, WITH HEARING LOSS AND DEMENTIA; Hereditary Sensory and Autonomic Neuropathy Type 1E (HSAN1E); HSN IE. Identifiers: Orphanet 456318, MedGen C3279885, MONDO:0013584, OMIM 614116.

Submission:

Labcorp Genetics (formerly Invitae), Labcorp
Classification: Uncertain significance for Hereditary sensory neuropathy-deafness-dementia syndrome. Last evaluated: 2022-11-11. Review status: criteria provided, single submitter. Criteria: Invitae Variant Classification Sherloc (09022015). Collection method: clinical testing. Allele origin: germline.
Comment: In summary, the available evidence is currently insufficient to determine the role of this variant in disease. Therefore, it has been classified as a Variant of Uncertain Significance. Algorithms developed to predict the effect of sequence changes on RNA splicing suggest that this variant may disrupt the consensus splice site. This variant has not been reported in the literature in individuals affected with DNMT1-related conditions. This variant is not present in population databases (gnomAD no frequency). This sequence change creates a premature translational stop signal (p.Arg611Alafs*42) in the DNMT1 gene. It is expected to result in an absent or disrupted protein product. However, the current clinical and genetic evidence is not sufficient to establish whether loss-of-function variants in DNMT1 cause disease.